The following is an entry in ClinVar:

ClinVar aggregate classification (germline): Uncertain significance (1 of 4 stars; one submission).

Conditions:
Neurofibromatosis, type 1 (NF1). Also called: Peripheral type neurofibromatosis; VON RECKLINGHAUSEN DISEASE; Neurofibromatosis, type I; NEUROFIBROMATOSIS, TYPE I, SOMATIC. Identifiers: Orphanet 636, MedGen C0027831, MONDO:0018975, OMIM 162200. Disease mechanism: loss of function.

Submission:

Labcorp Genetics (formerly Invitae), Labcorp
Classification: Uncertain significance for Neurofibromatosis, type 1. Last evaluated: 2018-05-28. Review status: criteria provided, single submitter. Criteria: Invitae Variant Classification Sherloc (09022015). Collection method: clinical testing. Allele origin: germline.
Comment: In summary, the available evidence is currently insufficient to determine the role of this variant in disease. Therefore, it has been classified as a Variant of Uncertain Significance. Experimental studies and prediction algorithms are not available for this variant, and the functional significance of the deleted amino acid is currently unknown. This variant has not been reported in the literature in individuals with NF1-related disease. This variant is not present in population databases (ExAC no frequency). This variant, c.1370_1372delACC, results in the deletion of 1 amino acid of the NF1 protein (p.His457del), but otherwise preserves the integrity of the reading frame.

NM_001042492.3(NF1):c.1370_1372del (p.His457del)

Gene: NF1 (neurofibromin 1; plus strand). Cytogenetic location: 17q11.2.
Variant type: Deletion.
Coding change: c.1370_1372del on transcript NM_001042492.3 (MANE Select); coding-DNA positions 1370 to 1372, 3 bases deleted (ACC; older notation c.1370_1372delACC).
Protein change: p.His457del; deletes histidine 457.
Molecular consequence: inframe deletion. On other transcripts: inframe indel (1).
Genome position (GRCh38, 1-based): chr17:31,206,349-31,206,351, ACC deleted; deleting any 3 consecutive bases within chr17:31,206,348-31,206,351 gives the same sequence; the c. name uses the placement nearest the transcript's 3' end. VCF-style (leftmost placement, unchanged base first): chr17-31206347-ACAC-A. GRCh37 (hg19) VCF-style: chr17-29533365-ACAC-A.
Other names: c.1370_1372delACC (NM_000267.3); c.1370_1372delACC, p.His457del (NM_000267.4); c.1370_1372del, p.His457del (NM_001128147.3); short protein forms H457del.
Identifiers: ClinVar variation 569917 (VCV000569917.5), dbSNP rs1567838357, ClinGen allele CA891844352.